The following is an entry in ClinVar:

NM_000368.5(TSC1):c.2303G>A (p.Arg768His)

Gene: TSC1 (TSC complex subunit 1; minus strand). Cytogenetic location: 9q34.13.
Variant type: single nucleotide variant.
Coding change: c.2303G>A on transcript NM_000368.5 (MANE Select); coding-DNA position 2303, G replaced by A.
Protein change: p.Arg768His; replaces arginine 768 with histidine.
Molecular consequence: missense variant.
Genome position (GRCh38, 1-based): chr9:132,902,693, C>T on the plus strand (G>A on the coding strand, the complement: TSC1 is on the minus strand). VCF-style: chr9-132902693-C-T. GRCh37 (hg19) VCF-style: chr9-135778080-C-T.
Other names: c.2300G>A, p.Arg767His (NM_001162426.2); c.2150G>A, p.Arg717His (NM_001162427.2); c.1940G>A, p.Arg647His (NM_001362177.2); short protein forms R768H, R717H, R767H, R647H.
Identifiers: ClinVar variation 411249 (VCV000411249.23), dbSNP rs1033725987, ClinGen allele CA16612757.

ClinVar aggregate classification (germline): Conflicting classifications of pathogenicity. Review status: criteria provided, conflicting classifications (1 of 4 stars). 6 submissions from 6 submitters: Uncertain significance (4); Benign (2). Last evaluated 2025-12-22.

Conditions:
Hereditary cancer-predisposing syndrome. Also called: Hereditary neoplastic syndrome; Neoplastic Syndromes, Hereditary; Tumor predisposition; Hereditary Cancer Syndrome. Identifiers: Orphanet 140162, MedGen C0027672, MeSH D009386, MONDO:0015356.
Tuberous sclerosis syndrome (TSC). Also called: Tuberous Sclerosis Complex; Tuberous sclerosis. Identifiers: Orphanet 805, MedGen C0041341, MONDO:0001734.
Tuberous sclerosis 1 (TSC1). Identifiers: Orphanet 805, MedGen C1854465, MONDO:0008612, OMIM 191100.
Lymphangiomyomatosis (LAM). Also called: Lymphangioleiomyomatosis; Lymphangioleiomyomatosis, somatic. Identifiers: Orphanet 538, MedGen C0751674, MONDO:0011705, OMIM 606690.
Isolated focal cortical dysplasia type II (FCORD2). Also called: CORTICAL DYSPLASIA OF TAYLOR; Focal cortical dysplasia type II. Identifiers: Orphanet 268994, MedGen C1846385, MONDO:0011818, OMIM 607341, HP:0032051.

Allele frequency attached by ClinVar (database versions not stated): gnomAD exomes 0.00001 and 0.00004; TOPMed 0.00001; gnomAD 0.00002.
gnomAD v4.1: 53 of 1,614,068 alleles (0.0033%); highest among the groups gnomAD compares: Non-Finnish European, 0.0042%; no homozygotes.

Submissions (6):

Labcorp Genetics (formerly Invitae), Labcorp
Classification: Benign for Tuberous sclerosis 1. Last evaluated: 2025-12-22. Review status: criteria provided, single submitter. Criteria: Invitae Variant Classification Sherloc (09022015). Collection method: clinical testing. Allele origin: germline.

Ambry Genetics
Classification: Benign for Hereditary cancer-predisposing syndrome. Last evaluated: 2025-09-30. Review status: criteria provided, single submitter. Criteria: Ambry Variant Classification Scheme 2023. Collection method: clinical testing. Allele origin: germline.

All of Us Research Program, National Institutes of Health
Classification: Uncertain significance for Tuberous sclerosis syndrome. Last evaluated: 2024-08-13. Review status: criteria provided, single submitter. Criteria: ACMG Guidelines, 2015. Collection method: clinical testing. Allele origin: germline. Inheritance: Autosomal dominant inheritance. Observed: 1 variant allele, 1 heterozygote.
Comment: This missense variant replaces arginine with histidine at codon 768 of the TSC1 protein. Computational prediction suggests that this variant may not impact protein structure and function. To our knowledge, functional studies have not been reported for this variant. This variant has not been reported in individuals affected with TSC1-related disorders in the literature. This variant has been identified in 2/251450 chromosomes in the general population by the Genome Aggregation Database (gnomAD). The available evidence is insufficient to determine the role of this variant in disease conclusively. Therefore, this variant is classified as a Variant of Uncertain Significance.

This study involves interpretation of variants in research participants for the purpose of population health screening. Participant phenotype was not available at the time of variant classification. Additional details can be found in publication PMID: 35346344, PMCID: PMC8962531

Color Diagnostics, LLC DBA Color Health
Classification: Uncertain significance for Tuberous sclerosis syndrome. Last evaluated: 2024-07-24. Review status: criteria provided, single submitter. Criteria: ACMG Guidelines, 2015. Collection method: clinical testing. Allele origin: germline.
Comment: This missense variant replaces arginine with histidine at codon 768 of the TSC1 protein. Computational prediction suggests that this variant may not impact protein structure and function. To our knowledge, functional studies have not been reported for this variant. This variant has not been reported in individuals affected with TSC1-related disorders in the literature. This variant has been identified in 2/251450 chromosomes in the general population by the Genome Aggregation Database (gnomAD). The available evidence is insufficient to determine the role of this variant in disease conclusively. Therefore, this variant is classified as a Variant of Uncertain Significance.

Genome-Nilou Lab
Classification: Uncertain significance for Tuberous sclerosis 1. Last evaluated: 2021-11-07. Review status: criteria provided, single submitter. Criteria: ACMG Guidelines, 2015. Collection method: clinical testing. Allele origin: germline. Affected: no.

Fulgent Genetics
Classification: Uncertain significance for Tuberous sclerosis 1; Lymphangiomyomatosis; Isolated focal cortical dysplasia type II. Last evaluated: 2018-10-31. Review status: criteria provided, single submitter. Criteria: ACMG Guidelines, 2015. Collection method: clinical testing. Allele origin: unknown.